The following is an entry in ClinVar:

NM_001080449.3(DNA2):c.2321G>T (p.Gly774Val)

Gene: DNA2 (DNA replication helicase/nuclease 2; minus strand). Cytogenetic location: 10q21.3.
Variant type: single nucleotide variant.
Coding change: c.2321G>T on transcript NM_001080449.3 (MANE Select); coding-DNA position 2321, G replaced by T.
Protein change: p.Gly774Val; replaces glycine 774 with valine.
Molecular consequence: missense variant. On other transcripts: non-coding transcript variant (1).
Genome position (GRCh38, 1-based): chr10:68,422,778, C>A on the plus strand (G>T on the coding strand, the complement: DNA2 is on the minus strand). VCF-style: chr10-68422778-C-A. GRCh37 (hg19) VCF-style: chr10-70182535-C-A.
Other names: short protein forms G774V.
Identifiers: ClinVar variation 3683893 (VCV003683893.2).
Genomic context (GRCh38, chr10:68,422,778, plus strand): 5'-AGGGGAGGAAGCTGCTGATGGTCCCCCACTAACACAAATCTCCGTGAAAAAAAAAGGGGG[C>A]CCAGACAAATTGGTTGGCTAATTTGAGAGGCTTCATCCACAATACAAAAATCAAAAATTT-3'
Protein context (NP_001073918.2, residues 764-784): ASQISQPICL[Gly774Val]PLFFSRRFVL

ClinVar aggregate classification (germline): Uncertain significance (1 of 4 stars; one submission).

gnomAD v4.1: 1 of 1,610,542 alleles (0.000062%); highest among the groups gnomAD compares: Middle Eastern, 0.017%; no homozygotes.

Submission:

Labcorp Genetics (formerly Invitae), Labcorp
Classification: Uncertain significance. Last evaluated: 2024-12-03. Review status: criteria provided, single submitter. Criteria: Invitae Variant Classification Sherloc (09022015). Collection method: clinical testing. Allele origin: germline.
Comment: This sequence change replaces glycine, which is neutral and non-polar, with valine, which is neutral and non-polar, at codon 774 of the DNA2 protein (p.Gly774Val). This variant is not present in population databases (gnomAD no frequency). This variant has not been reported in the literature in individuals affected with DNA2-related conditions. Invitae Evidence Modeling of protein sequence and biophysical properties (such as structural, functional, and spatial information, amino acid conservation, physicochemical variation, residue mobility, and thermodynamic stability) indicates that this missense variant is expected to disrupt DNA2 protein function with a positive predictive value of 80%. In summary, the available evidence is currently insufficient to determine the role of this variant in disease. Therefore, it has been classified as a Variant of Uncertain Significance.